The following is an entry in ClinVar:

NM_000155.4(GALT):c.152G>A (p.Arg51Gln)

Genes: GALT (galactose-1-phosphate uridylyltransferase; plus strand), LOC130001683 (ATAC-STARR-seq lymphoblastoid active region 28314; plus strand). Cytogenetic location: 9p13.3.
Variant type: single nucleotide variant.
Coding change: c.152G>A on transcript NM_000155.4 (MANE Select); coding-DNA position 152, G replaced by A.
Protein change: p.Arg51Gln; replaces arginine 51 with glutamine.
Molecular consequence: missense variant. On other transcripts: 5 prime UTR variant (1).
Genome position (GRCh38, 1-based): chr9:34,647,158, G>A. VCF-style: chr9-34647158-G-A. GRCh37 (hg19) VCF-style: chr9-34647155-G-A.
Other names: c.-51G>A (NM_001258332.2); short protein forms R51Q.
Identifiers: ClinVar variation 35522 (VCV000035522.13), dbSNP rs111033648, ClinGen allele CA259331.

ClinVar aggregate classification (germline): Pathogenic/Likely pathogenic. Review status: criteria provided, multiple submitters, no conflicts (2 of 4 stars). 4 submissions from 4 submitters: Pathogenic (1); Likely pathogenic (2). 1 of the submissions does not count toward it. Last evaluated 2025-10-28.

Conditions:
Galactosemia. Also called: Galactose intolerance. Identifiers: Orphanet 352, MedGen C0016952, MONDO:0018116, HP:0004919. Disease mechanism: loss of function.
Deficiency of UDPglucose-hexose-1-phosphate uridylyltransferase. Also called: GALACTOSE-1-PHOSPHATE URIDYLYLTRANSFERASE DEFICIENCY; GALT deficiency; Galactosemia, classic; Transferase Deficiency Galactosemia; GALACTOSEMIA I. Identifiers: Orphanet 352, Orphanet 79239, MedGen C0268151, MONDO:0009258, OMIM 230400.

gnomAD v4.1: 3 of 1,614,178 alleles (0.00019%); highest among the groups gnomAD compares: Non-Finnish European, 0.00025%; no homozygotes.

Submissions (4):

Natera, Inc.
Classification: Likely pathogenic for Galactosemia. Last evaluated: 2025-10-28. Review status: criteria provided, single submitter. Criteria: Natera Variant Classification Schema (03/2026). Collection method: clinical testing. Allele origin: germline.
Comment: The c.152G>A variant in GALT is a missense variant predicted to cause substitution of arginine to glutamine at amino acid 51. This variant is rare in the general population with a frequency below the threshold expected for the associated phenotype(s). This variant has been observed in one or more individuals affected with the associated recessive disease, as either homozygous or compound heterozygous with a second variant (PMID: 34030713, 38444572). A different variant at the same position has been determined to be Pathogenic or Likely Pathogenic. Computational prediction algorithms indicate this variant is likely to affect gene or protein function. Given the available evidence, this variant is classified as Likely Pathogenic.

Myriad Genetics, Inc.
Classification: Likely pathogenic for Deficiency of UDPglucose-hexose-1-phosphate uridylyltransferase. Last evaluated: 2025-04-17. Review status: criteria provided, single submitter. Criteria: Myriad Autosomal Dominant, Autosomal Recessive and X-Linked Classification Criteria (2023). Collection method: clinical testing. Allele origin: unknown.
Comment: NM_000155.3(GALT):c.152G>A(R51Q) is a missense variant classified as likely pathogenic in the context of galactosemia. R51Q has been observed in cases with relevant disease (PMID: 31954591, 16167124, 34030713, 36515074). Relevant functional assessments of this variant are not available in the literature. R51Q has not been observed in referenced population frequency databases. In summary, NM_000155.3(GALT):c.152G>A(R51Q) is a missense variant that has been observed more frequently in cases with the relevant disease than in healthy populations. Please note: this variant was assessed in the context of healthy population screening.

Labcorp Genetics (formerly Invitae), Labcorp
Classification: Pathogenic for Deficiency of UDPglucose-hexose-1-phosphate uridylyltransferase. Last evaluated: 2023-08-31. Review status: criteria provided, single submitter. Criteria: Invitae Variant Classification Sherloc (09022015). Collection method: clinical testing. Allele origin: germline.
Comment: This sequence change replaces arginine, which is basic and polar, with glutamine, which is neutral and polar, at codon 51 of the GALT protein (p.Arg51Gln). This variant is not present in population databases (gnomAD no frequency). This missense change has been observed in individual(s) with galactosemia (PMID: 15841485, 31954591). ClinVar contains an entry for this variant (Variation ID: 35522). Advanced modeling of protein sequence and biophysical properties (such as structural, functional, and spatial information, amino acid conservation, physicochemical variation, residue mobility, and thermodynamic stability) performed at Invitae indicates that this missense variant is expected to disrupt GALT protein function. This variant disrupts the p.Arg51 amino acid residue in GALT. Other variant(s) that disrupt this residue have been determined to be pathogenic (PMID: 22944367). This suggests that this residue is clinically significant, and that variants that disrupt this residue are likely to be disease-causing. For these reasons, this variant has been classified as Pathogenic.

Counsyl
Classification: Uncertain significance for Deficiency of UDPglucose-hexose-1-phosphate uridylyltransferase. Last evaluated: 2018-03-01. Review status: no assertion criteria provided. Collection method: clinical testing. Allele origin: unknown. Not counted in ClinVar's aggregate classification.

Literature cited by the submitters: PubMed 34030713 (cited by Natera, Inc. and Myriad Genetics, Inc.); PubMed 38444572 (cited by Natera, Inc.); PubMed 16167124 (cited by Myriad Genetics, Inc. and Counsyl); PubMed 31954591 (cited by Myriad Genetics, Inc. and Labcorp Genetics (formerly Invitae), Labcorp); PubMed 36515074 (cited by Myriad Genetics, Inc.); PubMed 15841485 (cited by Labcorp Genetics (formerly Invitae), Labcorp and Counsyl); PubMed 22944367 (cited by Labcorp Genetics (formerly Invitae), Labcorp); PubMed 27005423 (cited by Counsyl); PubMed 20008339 (cited by Counsyl).